The following is an entry in ClinVar:

NM_000051.4(ATM):c.68G>T (p.Arg23Leu)

Gene: ATM (ATM serine/threonine kinase; plus strand). Cytogenetic location: 11q22.3.
Variant type: single nucleotide variant.
Coding change: c.68G>T on transcript NM_000051.4 (MANE Select); coding-DNA position 68, G replaced by T.
Protein change: p.Arg23Leu; replaces arginine 23 with leucine.
Molecular consequence: missense variant.
Genome position (GRCh38, 1-based): chr11:108,227,692, G>T. VCF-style: chr11-108227692-G-T. GRCh37 (hg19) VCF-style: chr11-108098419-G-T.
Other names: c.68G>T, p.Arg23Leu (NM_001351834.2, NM_001351835.2, NM_001351836.2); short protein forms R23L.
Identifiers: ClinVar variation 3894379 (VCV003894379.1).

ClinVar aggregate classification (germline): Uncertain significance (1 of 4 stars; one submission).

Conditions:
Hereditary cancer-predisposing syndrome. Also called: Neoplastic Syndromes, Hereditary; Tumor predisposition; Hereditary Cancer Syndrome; Hereditary neoplastic syndrome. Identifiers: Orphanet 140162, MedGen C0027672, MeSH D009386, MONDO:0015356.

Submission:

Color Diagnostics, LLC DBA Color Health
Classification: Uncertain significance for Hereditary cancer-predisposing syndrome. Last evaluated: 2023-08-07. Review status: criteria provided, single submitter. Criteria: ACMG Guidelines, 2015. Collection method: clinical testing. Allele origin: germline.
Comment: This missense variant replaces arginine with leucine at codon 23 of the ATM protein. Computational prediction is inconclusive regarding the impact of this variant on protein structure and function (internally defined REVEL score threshold 0.5 < inconclusive < 0.7, PMID: 27666373). To our knowledge, functional studies have not been reported for this variant. This variant has not been reported in individuals affected with ATM-related disorders in the literature. This variant has not been identified in the general population by the Genome Aggregation Database (gnomAD). The available evidence is insufficient to determine the role of this variant in disease conclusively. Therefore, this variant is classified as a Variant of Uncertain Significance.